The following is an entry in ClinVar:

ClinVar aggregate classification (germline): Uncertain significance. Review status: criteria provided, multiple submitters, no conflicts (2 of 4 stars). 3 submissions from 3 submitters: Uncertain significance (3). Last evaluated 2025-05-28.

Conditions:
Hereditary cancer-predisposing syndrome. Also called: Neoplastic Syndromes, Hereditary; Tumor predisposition; Hereditary neoplastic syndrome; Hereditary Cancer Syndrome. Identifiers: Orphanet 140162, MedGen C0027672, MeSH D009386, MONDO:0015356.
Multiple endocrine neoplasia, type 2 (MEN2). Identifiers: Orphanet 653, MedGen C4048306, MONDO:0019003. Disease mechanism: gain of function.

Allele frequency attached by ClinVar (database versions not stated): gnomAD exomes below 0.00001; TOPMed below 0.00001.
gnomAD v4.1: 4 of 1,614,146 alleles (0.00025%); highest among the groups gnomAD compares: Non-Finnish European, 0.00034%; no homozygotes.

Submissions (3):

Labcorp Genetics (formerly Invitae), Labcorp
Classification: Uncertain significance for Multiple endocrine neoplasia, type 2. Last evaluated: 2025-05-28. Review status: criteria provided, single submitter. Criteria: Invitae Variant Classification Sherloc (09022015). Collection method: clinical testing. Allele origin: germline.
Comment: This sequence change replaces glycine, which is neutral and non-polar, with arginine, which is basic and polar, at codon 1071 of the RET protein (p.Gly1071Arg). This variant is not present in population databases (gnomAD no frequency). This variant has not been reported in the literature in individuals affected with RET-related conditions. ClinVar contains an entry for this variant (Variation ID: 1368696). An algorithm developed to predict the effect of missense changes on protein structure and function (PolyPhen-2) suggests that this variant is likely to be disruptive. Algorithms developed to predict the effect of sequence changes on RNA splicing suggest that this variant may disrupt the consensus splice site. In summary, the available evidence is currently insufficient to determine the role of this variant in disease. Therefore, it has been classified as a Variant of Uncertain Significance.

Ambry Genetics
Classification: Uncertain significance for Hereditary cancer-predisposing syndrome. Last evaluated: 2024-07-02. Review status: criteria provided, single submitter. Criteria: Ambry Variant Classification Scheme 2023. Collection method: clinical testing. Allele origin: germline.
Comment: The p.G1071R variant (also known as c.3211G>A), located in coding exon 20 of the RET gene, results from a G to A substitution at nucleotide position 3211. The glycine at codon 1071 is replaced by arginine, an amino acid with dissimilar properties. This amino acid position is poorly conserved in available vertebrate species. In addition, this alteration is predicted to be tolerated by in silico analysis. Since supporting evidence is limited at this time, the clinical significance of this alteration remains unclear.

All of Us Research Program, National Institutes of Health
Classification: Uncertain significance for Multiple endocrine neoplasia, type 2. Last evaluated: 2023-11-30. Review status: criteria provided, single submitter. Criteria: ACMG Guidelines, 2015. Collection method: clinical testing. Allele origin: germline. Inheritance: Autosomal dominant inheritance. Observed: 1 variant allele, 1 heterozygote.
Comment: This study involves interpretation of variants in research participants for the purpose of population health screening. Participant phenotype was not available at the time of variant classification. Additional details can be found in publication PMID: 35346344, PMCID: PMC8962531

NM_020975.6(RET):c.3211G>A (p.Gly1071Arg)

Gene: RET (ret proto-oncogene; plus strand). Cytogenetic location: 10q11.21.
Variant type: single nucleotide variant.
Coding change: c.3211G>A on transcript NM_020975.6 (MANE Select); coding-DNA position 3211, G replaced by A.
Protein change: p.Gly1071Arg; replaces glycine 1071 with arginine.
Molecular consequence: missense variant.
Genome position (GRCh38, 1-based): chr10:43,128,135, G>A. VCF-style: chr10-43128135-G-A. GRCh37 (hg19) VCF-style: chr10-43623583-G-A.
Other names: short protein forms G1071R.
Identifiers: ClinVar variation 1368696 (VCV001368696.10), dbSNP rs1321512022, ClinGen allele CA376558860.